The following is an entry in ClinVar:

ClinVar aggregate classification (germline): Uncertain significance (1 of 4 stars; one submission).

Submission:

GeneDx
Classification: Uncertain significance. Last evaluated: 2025-07-09. Review status: criteria provided, single submitter. Criteria: GeneDx Variant Classification Process June 2021. Collection method: clinical testing. Allele origin: germline. Affected: yes.
Comment: Not observed at significant frequency in large population cohorts (gnomAD); In silico analysis supports that this missense variant has a deleterious effect on protein structure/function; Has not been previously published as pathogenic or benign to our knowledge

NM_024757.5(EHMT1):c.3479T>C (p.Ile1160Thr)

Gene: EHMT1 (euchromatic histone lysine methyltransferase 1; plus strand). Cytogenetic location: 9q34.3.
Variant type: single nucleotide variant.
Coding change: c.3479T>C on transcript NM_024757.5 (MANE Select); coding-DNA position 3479, T replaced by C.
Protein change: p.Ile1160Thr; replaces isoleucine 1160 with threonine.
Molecular consequence: missense variant.
Genome position (GRCh38, 1-based): chr9:137,818,077, T>C. VCF-style: chr9-137818077-T-C. GRCh37 (hg19) VCF-style: chr9-140712529-T-C.
Other names: c.3458T>C, p.Ile1153Thr (NM_001354263.2); short protein forms I1153T, I1160T.
Identifiers: ClinVar variation 4685040 (VCV004685040.1).